The following is an entry in ClinVar:

ClinVar aggregate classification (germline): Benign. Review status: criteria provided, single submitter (1 of 4 stars). 2 submissions from 2 submitters: Benign (1). 1 of the submissions does not count toward it. Last evaluated 2019-12-31.

Conditions:
YTHDC2-related disorder. Also called: YTHDC2-related condition.

Allele frequency attached by ClinVar (database versions not stated): ExAC 0.00222; gnomAD 0.00715 and 0.00655; ESP Exome Variant Server 0.00723; TOPMed 0.00768; 1000 Genomes Project 30x 0.00578; 1000 Genomes Project 0.00619.
gnomAD v4.1: 2,001 of 1,608,082 alleles (0.12%); highest among the groups gnomAD compares: African/African-American, 2.2%; 18 homozygotes.

Submissions (2):

Labcorp Genetics (formerly Invitae), Labcorp
Classification: Benign. Last evaluated: 2019-12-31. Review status: criteria provided, single submitter. Criteria: Invitae Variant Classification Sherloc (09022015). Collection method: clinical testing. Allele origin: germline.

PreventionGenetics, part of Exact Sciences
Classification: Benign for YTHDC2-related condition. Last evaluated: 2019-04-24. Review status: no assertion criteria provided. Collection method: clinical testing. Allele origin: germline. Not counted in ClinVar's aggregate classification.
Comment: This variant is classified as benign based on ACMG/AMP sequence variant interpretation guidelines (Richards et al. 2015 PMID: 25741868, with internal and published modifications).

NM_022828.5(YTHDC2):c.942C>T (p.Ile314=)

Gene: YTHDC2 (YTH N6-methyladenosine RNA binding protein C2; plus strand). Cytogenetic location: 5q22.2.
Variant type: single nucleotide variant.
Coding change: c.942C>T on transcript NM_022828.5 (MANE Select); coding-DNA position 942, C replaced by T.
Protein change: p.Ile314=; no amino-acid change (isoleucine 314 retained).
Molecular consequence: synonymous variant.
Genome position (GRCh38, 1-based): chr5:113,534,404, C>T. VCF-style: chr5-113534404-C-T. GRCh37 (hg19) VCF-style: chr5-112870101-C-T.
Other names: c.456C>T, p.Ile152= (NM_001345975.2); c.42C>T, p.Ile14= (NM_001345976.2); c.942C>T (NM_022828.4).
Identifiers: ClinVar variation 776058 (VCV000776058.6), dbSNP rs77180725, ClinGen allele CA3371631.